The following is an entry in ClinVar:

ClinVar aggregate classification (germline): Uncertain significance (1 of 4 stars; one submission).

Submission:

GeneDx
Classification: Uncertain significance. Last evaluated: 2025-01-11. Review status: criteria provided, single submitter. Criteria: GeneDx Variant Classification Process June 2021. Collection method: clinical testing. Allele origin: germline. Affected: yes.
Comment: Has not been previously published as pathogenic or benign to our knowledge; No data available from control populations to assess the frequency of this variant; Reported using an alternate transcript of the gene

NM_000460.4(THPO):c.-197C>T

Gene: THPO (thrombopoietin; minus strand). Cytogenetic location: 3q27.1.
Variant type: single nucleotide variant.
Coding change: c.-197C>T on transcript NM_000460.4 (MANE Select); 197 bases upstream of the start codon, C replaced by T.
Molecular consequence: 5 prime UTR variant. On other transcripts: missense variant (1), intron variant (1).
Genome position (GRCh38, 1-based): chr3:184,378,126, G>A on the plus strand (C>T on the coding strand, the complement: THPO is on the minus strand). VCF-style: chr3-184378126-G-A. GRCh37 (hg19) VCF-style: chr3-184095914-G-A.
Other names: c.-197C>T (NM_001177597.2, NM_001177598.2, NM_001289997.1 and 4 more transcripts); c.224C>T, p.Ser75Phe (NM_001290003.1); c.-146+1465C>T (NM_001290028.1); short protein forms S75F.
Identifiers: ClinVar variation 4057163 (VCV004057163.1).